The following is an entry in ClinVar:

NM_001127178.3(PIGG):c.1031T>G (p.Met344Arg)

Gene: PIGG (phosphatidylinositol glycan anchor biosynthesis class G (EMM blood group); plus strand). Cytogenetic location: 4p16.3.
Variant type: single nucleotide variant.
Coding change: c.1031T>G on transcript NM_001127178.3 (MANE Select); coding-DNA position 1031, T replaced by G.
Protein change: p.Met344Arg; replaces methionine 344 with arginine.
Molecular consequence: missense variant. On other transcripts: initiator codon variant (1), 5 prime UTR variant (3), non-coding transcript variant (10).
Genome position (GRCh38, 1-based): chr4:516,102, T>G. VCF-style: chr4-516102-T-G. GRCh37 (hg19) VCF-style: chr4-509891-T-G.
Other names: c.764T>G, p.Met255Arg (NM_001289051.2, NM_001289053.2, NM_001289057.2 and 2 more transcripts); c.632T>G, p.Met211Arg (NM_001289052.2); c.665T>G, p.Met222Arg (NM_001289055.2); c.2T>G, p.Met1Arg (NM_001345988.2); c.1031T>G, p.Met344Arg (NM_001345989.2, NM_017733.5); c.-595T>G (NM_001345990.2); c.-457T>G (NM_001345991.2); c.-182T>G (NM_001345994.2); short protein forms M344R, M255R, M1R, M211R, M222R.
Identifiers: ClinVar variation 476310 (VCV000476310.11), dbSNP rs1371886997, ClinGen allele CA355902021.

ClinVar aggregate classification (germline): Uncertain significance (1 of 4 stars; one submission).

Conditions:
Intellectual disability, autosomal recessive 53 (NEDHSCA). Also called: NEURODEVELOPMENTAL DISORDER WITH OR WITHOUT HYPOTONIA, SEIZURES, AND CEREBELLAR ATROPHY; GLYCOSYLPHOSPHATIDYLINOSITOL BIOSYNTHESIS DEFECT 13; Mental retardation, autosomal recessive 53. Identifiers: Orphanet 488635, MedGen C4310794, MONDO:0014832, OMIM 616917.

Submission:

Labcorp Genetics (formerly Invitae), Labcorp
Classification: Uncertain significance for Intellectual disability, autosomal recessive 53. Last evaluated: 2025-08-18. Review status: criteria provided, single submitter. Criteria: Invitae Variant Classification Sherloc (09022015). Collection method: clinical testing. Allele origin: germline.
Comment: This sequence change replaces methionine, which is neutral and non-polar, with arginine, which is basic and polar, at codon 344 of the PIGG protein (p.Met344Arg). This variant is not present in population databases (gnomAD no frequency). This variant has not been reported in the literature in individuals affected with PIGG-related conditions. ClinVar contains an entry for this variant (Variation ID: 476310). Invitae Evidence Modeling of protein sequence and biophysical properties (such as structural, functional, and spatial information, amino acid conservation, physicochemical variation, residue mobility, and thermodynamic stability) has been performed for this missense variant. However, the output from this modeling did not meet the statistical confidence thresholds required to predict the impact of this variant on PIGG protein function. In summary, the available evidence is currently insufficient to determine the role of this variant in disease. Therefore, it has been classified as a Variant of Uncertain Significance.